The following is an entry in ClinVar:

ClinVar aggregate classification (germline): Uncertain significance (1 of 4 stars; one submission).

Allele frequency attached by ClinVar (database versions not stated): gnomAD exomes below 0.00001.
gnomAD v4.1: 2 of 1,614,134 alleles (0.00012%); highest among the groups gnomAD compares: Non-Finnish European, 0.00017%; no homozygotes.

Submission:

Labcorp Genetics (formerly Invitae), Labcorp
Classification: Uncertain significance. Last evaluated: 2024-05-17. Review status: criteria provided, single submitter. Criteria: Invitae Variant Classification Sherloc (09022015). Collection method: clinical testing. Allele origin: germline.
Comment: This sequence change replaces phenylalanine, which is neutral and non-polar, with leucine, which is neutral and non-polar, at codon 947 of the LRP5 protein (p.Phe947Leu). This variant is present in population databases (no rsID available, gnomAD 0.0009%). This variant has not been reported in the literature in individuals affected with LRP5-related conditions. ClinVar contains an entry for this variant (Variation ID: 1058794). Advanced modeling of protein sequence and biophysical properties (such as structural, functional, and spatial information, amino acid conservation, physicochemical variation, residue mobility, and thermodynamic stability) has been performed at Invitae for this missense variant, however the output from this modeling did not meet the statistical confidence thresholds required to predict the impact of this variant on LRP5 protein function. In summary, the available evidence is currently insufficient to determine the role of this variant in disease. Therefore, it has been classified as a Variant of Uncertain Significance.

NM_002335.4(LRP5):c.2841C>G (p.Phe947Leu)

Gene: LRP5 (LDL receptor related protein 5; plus strand). Cytogenetic location: 11q13.2.
Variant type: single nucleotide variant.
Coding change: c.2841C>G on transcript NM_002335.4 (MANE Select); coding-DNA position 2841, C replaced by G.
Protein change: p.Phe947Leu; replaces phenylalanine 947 with leucine.
Molecular consequence: missense variant.
Genome position (GRCh38, 1-based): chr11:68,416,341, C>G. VCF-style: chr11-68416341-C-G. GRCh37 (hg19) VCF-style: chr11-68183809-C-G.
Other names: c.1098C>G, p.Phe366Leu (NM_001291902.2); short protein forms F366L, F947L.
Identifiers: ClinVar variation 1058794 (VCV001058794.9), dbSNP rs1377255746, ClinGen allele CA381619651.
Genomic context (GRCh38, chr11:68,416,341, plus strand): 5'-TGTGGCTTACAGACACCCACCTGCAGCCCTGTCTTTGCCTCCTCTAGCGCCCACCACCTT[C>G]TTGCTGTTCAGCCAGAAATCTGCCATCAGTCGGATGATCCCGGACGACCAGCACAGCCCG-3'
Protein context (NP_002326.2, residues 937-957): SSRNCSPPTT[Phe947Leu]LLFSQKSAIS